The following is an entry in ClinVar:

ClinVar aggregate classification (germline): Uncertain significance (1 of 4 stars; one submission).

Conditions:
Wilson disease (WND). Also called: Wilson's disease. Identifiers: Orphanet 905, MedGen C0019202, MONDO:0010200, OMIM 277900. Disease mechanism: loss of function.

Submission:

All of Us Research Program, National Institutes of Health
Classification: Uncertain significance for Wilson disease. Last evaluated: 2023-04-03. Review status: criteria provided, single submitter. Criteria: ACMG Guidelines, 2015. Collection method: clinical testing. Allele origin: germline. Inheritance: Autosomal recessive inheritance. Observed: 1 variant allele, 1 heterozygote.
Comment: This missense variant replaces alanine with valine at codon 484 of the ATP7B protein. Computational prediction suggests that this variant may not impact protein structure and function (internally defined REVEL score threshold <= 0.5, PMID: 27666373). To our knowledge, functional studies have not been reported for this variant. This variant has not been reported in individuals affected with ATP7B-related disorders in the literature. This variant has not been identified in the general population by the Genome Aggregation Database (gnomAD). The available evidence is insufficient to determine the role of this variant in disease conclusively. Therefore, this variant is classified as a Variant of Uncertain Significance.

This study involves interpretation of variants in research participants for the purpose of population health screening. Participant phenotype was not available at the time of variant classification. Additional details can be found in publication PMID: 35346344, PMCID: PMC8962531

NM_000053.4(ATP7B):c.1451C>T (p.Ala484Val)

Gene: ATP7B (ATPase copper transporting beta; minus strand). Cytogenetic location: 13q14.3.
Variant type: single nucleotide variant.
Coding change: c.1451C>T on transcript NM_000053.4 (MANE Select); coding-DNA position 1451, C replaced by T.
Protein change: p.Ala484Val; replaces alanine 484 with valine.
Molecular consequence: missense variant. On other transcripts: intron variant (1).
Genome position (GRCh38, 1-based): chr13:51,970,584, G>A on the plus strand (C>T on the coding strand, the complement: ATP7B is on the minus strand). VCF-style: chr13-51970584-G-A. GRCh37 (hg19) VCF-style: chr13-52544720-G-A.
Other names: c.1451C>T, p.Ala484Val (NM_001005918.3, NM_001330578.2, NM_001330579.2 and 28 more transcripts); c.1118C>T, p.Ala373Val (NM_001243182.2); c.1355C>T, p.Ala452Val (NM_001406530.1, NM_001406536.1, NM_001406517.1 and 3 more transcripts); c.1285+3351C>T (NM_001406548.1); c.1022C>T, p.Ala341Val (NM_001406539.1); short protein forms A341V, A373V, A452V, A484V.
Identifiers: ClinVar variation 3070087 (VCV003070087.1), dbSNP rs2547793709, ClinGen allele CA388035597.
Genomic context (GRCh38, chr13:51,970,584, plus strand): 5'-GACACACAGGATGCACAGGTCATGCCTTTGATCTGTAAGAAGCACTTCTGCGGTGCCACT[G>A]CTCTGGTTGATTGTGGGGACTTTGCCAAGATGTCCGGGGCATGGTTTGCAGGGAGCCTCC-3'
Protein context (NP_000044.2, residues 474-494): ILAKSPQSTR[Ala484Val]VAPQKCFLQI